The following is an entry in ClinVar:

ClinVar aggregate classification (germline): Conflicting classifications of pathogenicity. Review status: criteria provided, conflicting classifications (1 of 4 stars). 9 submissions from 5 submitters: Uncertain significance (6); Benign (1); Likely benign (2). Last evaluated 2025-10-10.

Conditions:
Early-onset myopathy with fatal cardiomyopathy (CMYO5). Also called: Salih Myopathy; CONGENITAL MYOPATHY 5 WITH CARDIOMYOPATHY. Identifiers: Orphanet 289377, MedGen C2673677, MONDO:0012714, OMIM 611705. Disease mechanism: loss of function.
Dilated cardiomyopathy 1G (CMD1G). Identifiers: Orphanet 154, MedGen C1858763, MONDO:0011400, OMIM 604145.
Tibial muscular dystrophy (TMD). Also called: UDD MYOPATHY; Tibial muscular dystrophy, tardive; Udd Distal Myopathy – Tibial Muscular Dystrophy. Identifiers: Orphanet 609, MedGen C1838244, MONDO:0010870, OMIM 600334.
Autosomal recessive limb-girdle muscular dystrophy type 2J (LGMDR10). Also called: Limb-girdle muscular dystrophy, type 2J; MUSCULAR DYSTROPHY, LIMB-GIRDLE, AUTOSOMAL RECESSIVE 10. Identifiers: Orphanet 140922, MedGen C1837342, MONDO:0012127, OMIM 608807.
Hypertrophic cardiomyopathy 9. Also called: Familial hypertrophic cardiomyopathy 9. Identifiers: MedGen C1861065, MONDO:0013412, OMIM 613765.
Myopathy, myofibrillar, 9, with early respiratory failure (MFM9). Also called: Hereditary myopathy with early respiratory failure; MYOPATHY, PROXIMAL, WITH EARLY RESPIRATORY MUSCLE INVOLVEMENT; EDSTROM MYOPATHY; Myopathy, distal, with early respiratory failure, autosomal dominant. Identifiers: Orphanet 178464, Orphanet 34521, MedGen C1863599, MONDO:0011362, OMIM 603689.
TTN-related disorder. Also called: TTN-related condition; TTN-related disease; TTN-related disorders.

Allele frequency attached by ClinVar (database versions not stated): TOPMed 0.00002.
gnomAD v4.1: 72 of 1,613,370 alleles (0.0045%); highest among the groups gnomAD compares: South Asian, 0.032%; no homozygotes.

Submissions (9):

PreventionGenetics, part of Exact Sciences
Classification: Uncertain significance for TTN-related condition. Last evaluated: 2025-10-10. Review status: criteria provided, single submitter. Criteria: ACMG Guidelines, 2015. Collection method: clinical testing. Allele origin: germline.
Comment: The TTN c.62534C>T variant is predicted to result in the amino acid substitution p.Thr20845Met. To our knowledge, this variant has not been reported in the literature. This variant is reported in 0.029% of alleles in individuals of South Asian descent in gnomAD. At this time, the clinical significance of this variant is uncertain due to the absence of conclusive functional and genetic evidence.

Molecular Diagnostic Laboratory for Inherited Cardiovascular Disease, Montreal Heart Institute
Classification: Likely benign. Last evaluated: 2025-04-09. Review status: criteria provided, single submitter. Criteria: ACMG Guidelines, 2015. Collection method: clinical testing. Allele origin: germline. Affected: no.

Department of Pathology and Laboratory Medicine, Sinai Health System
Classification: Uncertain significance for Tibial muscular dystrophy; Myopathy, myofibrillar, 9, with early respiratory failure; Dilated cardiomyopathy 1G; Autosomal recessive limb-girdle muscular dystrophy type 2J; Early-onset myopathy with fatal cardiomyopathy; Hypertrophic cardiomyopathy 9. Last evaluated: 2022-05-10. Review status: criteria provided, single submitter. Criteria: ACMG Guidelines, 2015. Collection method: research. Allele origin: germline.

Illumina Laboratory Services, Illumina
Classification: Benign for Tibial muscular dystrophy. Last evaluated: 2018-01-13. Review status: criteria provided, single submitter. Criteria: ICSL Variant Classification Criteria 13 December 2019. Collection method: clinical testing. Allele origin: germline.
Comment: This variant was observed in the ICSL laboratory as part of a predisposition screen in an ostensibly healthy population. It had not been previously curated by ICSL or reported in the Human Gene Mutation Database (HGMD: prior to June 1st, 2018), and was therefore a candidate for classification through an automated scoring system. Utilizing variant allele frequency, disease prevalence and penetrance estimates, and inheritance mode, an automated score was calculated to assess if this variant is too frequent to cause the disease. Based on the score and internal cut-off values, a variant classified as benign is not then subjected to further curation. The score for this variant resulted in a classification of benign for this disease.

Illumina Laboratory Services, Illumina
Classification: Uncertain significance for Dilated cardiomyopathy 1G. Last evaluated: 2018-01-13. Review status: criteria provided, single submitter. Criteria: ICSL Variant Classification Criteria 13 December 2019. Collection method: clinical testing. Allele origin: germline.

Illumina Laboratory Services, Illumina
Classification: Uncertain significance for Autosomal recessive limb-girdle muscular dystrophy type 2J. Last evaluated: 2018-01-13. Review status: criteria provided, single submitter. Criteria: ICSL Variant Classification Criteria 13 December 2019. Collection method: clinical testing. Allele origin: germline.

Illumina Laboratory Services, Illumina
Classification: Uncertain significance for Early-onset myopathy with fatal cardiomyopathy. Last evaluated: 2018-01-13. Review status: criteria provided, single submitter. Criteria: ICSL Variant Classification Criteria 13 December 2019. Collection method: clinical testing. Allele origin: germline.

Illumina Laboratory Services, Illumina
Classification: Likely benign for Myopathy, myofibrillar, 9, with early respiratory failure. Last evaluated: 2018-01-13. Review status: criteria provided, single submitter. Criteria: ICSL Variant Classification Criteria 13 December 2019. Collection method: clinical testing. Allele origin: germline.
Comment: This variant was observed in the ICSL laboratory as part of a predisposition screen in an ostensibly healthy population. It had not been previously curated by ICSL or reported in the Human Gene Mutation Database (HGMD: prior to June 1st, 2018), and was therefore a candidate for classification through an automated scoring system. Utilizing variant allele frequency, disease prevalence and penetrance estimates, and inheritance mode, an automated score was calculated to assess if this variant is too frequent to cause the disease. Based on the score and internal cut-off values, a variant classified as likely benign is not then subjected to further curation. The score for this variant resulted in a classification of likely benign for this disease.

Eurofins Ntd Llc (ga)
Classification: Uncertain significance. Last evaluated: 2016-09-06. Review status: criteria provided, single submitter. Criteria: EGL Classification Definitions 2015. Collection method: clinical testing. Allele origin: germline. Observed: 1 variant allele, 1 heterozygote.

NM_001267550.2(TTN):c.62534C>T (p.Thr20845Met)

Genes: TTN (titin; minus strand), TTN-AS1 (TTN antisense RNA 1; plus strand). Cytogenetic location: 2q31.2.
Variant type: single nucleotide variant.
Coding change: c.62534C>T on transcript NM_001267550.2 (MANE Select); coding-DNA position 62534, C replaced by T.
Protein change: p.Thr20845Met; replaces threonine 20845 with methionine.
Molecular consequence: missense variant.
Genome position (GRCh38, 1-based): chr2:178,589,191, G>A on the plus strand (C>T on the coding strand, the complement: TTN is on the minus strand). VCF-style: chr2-178589191-G-A. GRCh37 (hg19) VCF-style: chr2-179453918-G-A.
Other names: c.57611C>T, p.Thr19204Met (NM_001256850.1); c.35339C>T, p.Thr11780Met (NM_003319.4); c.54830C>T, p.Thr18277Met (NM_133378.4); c.35714C>T, p.Thr11905Met (NM_133432.3); c.35915C>T, p.Thr11972Met (NM_133437.4); short protein forms T18277M, T20845M, T11972M, T19204M, T11780M, T11905M.
Identifiers: ClinVar variation 290719 (VCV000290719.12), dbSNP rs727505316, ClinGen allele CA1992216.
Genomic context (GRCh38, chr2:178,589,191, plus strand): 5'-GGCTTATCTAAAACATTGACAGTGGCATAGGCCACAAAACTGCCAGCCGTGTTAGTTGCC[G>A]TAACTACATATTTACCCCCATCACTTCGCTTTGCTTTAGTAAGAGAAAATTTAGATGAAT-3'
Protein context (NP_001254479.2, residues 20835-20855): KRSDGGKYVV[Thr20845Met]ATNTAGSFVA